The following is an entry in ClinVar:

ClinVar aggregate classification (germline): Likely benign. Review status: criteria provided, multiple submitters, no conflicts (2 of 4 stars). 5 submissions from 5 submitters: Likely benign (4). 1 of the submissions does not count toward it. Last evaluated 2025-12-24.

Conditions:
TRDN-related disorder. Also called: TRDN-related condition.
Cardiovascular phenotype. Identifiers: MedGen CN230736.
Catecholaminergic polymorphic ventricular tachycardia 1. Also called: RYR2-Related Catecholaminergic Polymorphic Ventricular Tachycardia; VENTRICULAR TACHYCARDIA, CATECHOLAMINERGIC POLYMORPHIC, 1, WITH OR WITHOUT ATRIAL DYSFUNCTION AND/OR DILATED CARDIOMYOPATHY; VENTRICULAR TACHYCARDIA, STRESS-INDUCED POLYMORPHIC 1. Identifiers: Orphanet 3286, MedGen C1631597, MONDO:0011484, OMIM 604772.

Allele frequency attached by ClinVar (database versions not stated): gnomAD exomes 0.00005 and 0.00013; gnomAD 0.00007; TOPMed 0.00009; ExAC 0.00015; 1000 Genomes Project 30x 0.00016; 1000 Genomes Project 0.00020.
gnomAD v4.1: 87 of 1,457,974 alleles (0.006%); highest among the groups gnomAD compares: Middle Eastern, 0.072%; no homozygotes.

Submissions (6):

Labcorp Genetics (formerly Invitae), Labcorp
Classification: Likely benign for Catecholaminergic polymorphic ventricular tachycardia 1. Last evaluated: 2025-12-24. Review status: criteria provided, single submitter. Criteria: Invitae Variant Classification Sherloc (09022015). Collection method: clinical testing. Allele origin: germline.

Blueprint Genetics
Classification: Likely benign. Last evaluated: 2024-10-01. Review status: criteria provided, single submitter. Criteria: ACMG Guidelines, 2015. Collection method: clinical testing. Allele origin: germline.

CeGaT Center for Human Genetics Tuebingen
Classification: Likely benign. Last evaluated: 2024-06-01. Review status: criteria provided, single submitter. Criteria: CeGaT Center For Human Genetics Tuebingen Variant Classification Criteria Version 2. Collection method: clinical testing. Allele origin: germline. Affected: yes. Observed: 2 variant alleles.
Comment: TRDN: BP4

Ambry Genetics
Classification: Likely benign for Cardiovascular phenotype. Last evaluated: 2023-06-05. Review status: criteria provided, single submitter. Criteria: Ambry Variant Classification Scheme 2023. Collection method: clinical testing. Allele origin: germline.

PreventionGenetics, part of Exact Sciences
Classification: Likely benign for TRDN-related condition. Last evaluated: 2020-03-03. Review status: no assertion criteria provided. Collection method: clinical testing. Allele origin: germline. Not counted in ClinVar's aggregate classification.
Comment: This variant is classified as likely benign based on ACMG/AMP sequence variant interpretation guidelines (Richards et al. 2015 PMID: 25741868, with internal and published modifications).

Dr. Peter K. Rogan Lab, Western University
No classification provided (evidence only). Condition: Sarcoma. Review status: no classification provided. Collection method: in vitro. Allele origin: not applicable. Functional consequence: retained intron. Not counted in ClinVar's aggregate classification.

NM_006073.4(TRDN):c.1832-4C>A

Gene: TRDN (triadin; minus strand). Cytogenetic location: 6q22.31.
Variant type: single nucleotide variant.
Coding change: c.1832-4C>A on transcript NM_006073.4 (MANE Select); 4 bases into the intron before coding-DNA position 1832, C replaced by A.
Molecular consequence: intron variant.
Genome position (GRCh38, 1-based): chr6:123,259,666, G>T on the plus strand (C>A on the coding strand, the complement: TRDN is on the minus strand). VCF-style: chr6-123259666-G-T. GRCh37 (hg19) VCF-style: chr6-123580811-G-T.
Identifiers: ClinVar variation 699267 (VCV000699267.37), dbSNP rs539547575, ClinGen allele CA3983719.